The following is an entry in ClinVar:

NM_001267550.2(TTN):c.60170G>T (p.Gly20057Val)

Genes: TTN-AS1 (TTN antisense RNA 1; plus strand), TTN (titin; minus strand), LOC126806424 (CDK7 strongly-dependent group 2 enhancer GRCh37_chr2:179456337-179457536; plus strand). Cytogenetic location: 2q31.2.
Variant type: single nucleotide variant.
Coding change: c.60170G>T on transcript NM_001267550.2 (MANE Select); coding-DNA position 60170, G replaced by T.
Protein change: p.Gly20057Val; replaces glycine 20057 with valine.
Molecular consequence: missense variant.
Genome position (GRCh38, 1-based): chr2:178,591,649, C>A on the plus strand (G>T on the coding strand, the complement: TTN is on the minus strand). VCF-style: chr2-178591649-C-A. GRCh37 (hg19) VCF-style: chr2-179456376-C-A.
Other names: c.55247G>T, p.Gly18416Val (NM_001256850.1); c.32975G>T, p.Gly10992Val (NM_003319.4); c.52466G>T, p.Gly17489Val (NM_133378.4); c.33350G>T, p.Gly11117Val (NM_133432.3); c.33551G>T, p.Gly11184Val (NM_133437.4); short protein forms G10992V, G11117V, G11184V, G17489V, G18416V, G20057V.
Identifiers: ClinVar variation 1310040 (VCV001310040.2), dbSNP rs750064931, ClinGen allele CA1992548.

ClinVar aggregate classification (germline): Uncertain significance (1 of 4 stars; one submission).

Allele frequency attached by ClinVar (database versions not stated): gnomAD exomes below 0.00001; TOPMed below 0.00001; ExAC 0.00001.
gnomAD v4.1: 3 of 1,613,450 alleles (0.00019%); highest among the groups gnomAD compares: Non-Finnish European, 0.00025%; no homozygotes.

Submission:

GeneDx
Classification: Uncertain significance. Last evaluated: 2019-11-05. Review status: criteria provided, single submitter. Criteria: GeneDx Variant Classification Process June 2021. Collection method: clinical testing. Allele origin: germline. Affected: yes.
Comment: Not observed at a significant frequency in large population cohorts (Lek et al., 2016); Missense variant in a gene in which most reported pathogenic variants are truncating/loss-of-function; Has not been previously published as pathogenic or benign to our knowledge